The following is an entry in ClinVar:

ClinVar aggregate classification (germline): Uncertain significance (1 of 4 stars; one submission).

Submissions (2):

Women's Health and Genetics/Laboratory Corporation of America, LabCorp
Classification: Uncertain significance. Last evaluated: 2024-09-03. Review status: criteria provided, single submitter. Criteria: LabCorp Variant Classification Summary - May 2015. Collection method: clinical testing. Allele origin: germline.
Comment: Variant summary: BRCA1 c.5387C>T (p.Ser1796Leu) results in a non-conservative amino acid change located in the BRCT domain (IPR001357) of the encoded protein sequence. Four of five in-silico tools predict a benign effect of the variant on protein function. The variant was absent in 251448 control chromosomes (gnomAD). The available data on variant occurrences in the general population are insufficient to allow any conclusion about variant significance. To our knowledge, no occurrence of c.5387C>T in individuals affected with Hereditary Breast And Ovarian Cancer Syndrome has been reported. At least one functional study reports experimental evidence evaluating an impact on protein function and showed intermediate effect of this variant on homology directed repair (HDR) activity (e.g. Findlay_2018). HDR assays qualify as a recognized gold standard on the basis of updated guidance provided by the ClinGen Sequence Variant Interpretation (SVI) working group. The following publications have been ascertained in the context of this evaluation (PMID: 32546644, 30209399). ClinVar contains an entry for this variant (Variation ID: 496395). Based on the evidence outlined above, the variant was classified as uncertain significance.

Brotman Baty Institute, University of Washington
No classification provided (evidence only). Condition: Breast-ovarian cancer, familial 1. Review status: no classification provided. Collection method: in vitro. Allele origin: not applicable. Functional consequence: function_uncertain_variant. Not counted in ClinVar's aggregate classification.
ClinVar note: "not provided" was previously submitted as the classification for the variant. However, the classification appeared to be based only on an observation of functional data so it was converted to no classification on 2025-07-30.

Literature cited by the submitters: PubMed 30209399 (cited by Women's Health and Genetics/Laboratory Corporation of America, LabCorp); PubMed 32546644 (cited by Women's Health and Genetics/Laboratory Corporation of America, LabCorp).

NM_007294.4(BRCA1):c.5387C>T (p.Ser1796Leu)

Gene: BRCA1 (BRCA1 DNA repair associated; minus strand). Cytogenetic location: 17q21.31.
Variant type: single nucleotide variant.
Coding change: c.5387C>T on transcript NM_007294.4 (MANE Select); coding-DNA position 5387, C replaced by T.
Protein change: p.Ser1796Leu; replaces serine 1796 with leucine.
Molecular consequence: missense variant. On other transcripts: non-coding transcript variant (1), intron variant (1).
Genome position (GRCh38, 1-based): chr17:43,049,140, G>A on the plus strand (C>T on the coding strand, the complement: BRCA1 is on the minus strand). VCF-style: chr17-43049140-G-A. GRCh37 (hg19) VCF-style: chr17-41201157-G-A.
Other names: c.5240C>T, p.Ser1747Leu (NM_001407852.1, NM_001407853.1, NM_001407838.1 and 12 more transcripts); c.5186C>T, p.Ser1729Leu (NM_001407862.1); c.5183C>T, p.Ser1728Leu (NM_001407863.1); c.5180C>T, p.Ser1727Leu (NM_001407874.1, NM_001407875.1); c.5177C>T, p.Ser1726Leu (NM_001407879.1, NM_001407881.1, NM_001407882.1 and 5 more transcripts); c.5174C>T, p.Ser1725Leu (NM_001407899.1, NM_001407900.1, NM_001407902.1 and 12 more transcripts); c.5123C>T, p.Ser1708Leu (NM_001407926.1, NM_001407920.1, NM_001407921.1 and 4 more transcripts); c.5120C>T, p.Ser1707Leu (NM_001407927.1, NM_001407928.1, NM_001407929.1 and 4 more transcripts); and 73 more; short protein forms S1796L, S1749L, S1817L, S692L, S1499L, S1642L, S1684L, S1706L.
Identifiers: ClinVar variation 496395 (VCV000496395.5), dbSNP rs80357055, ClinGen allele CA10590699.